The following is an entry in ClinVar:

ClinVar aggregate classification (germline): Uncertain significance (1 of 4 stars; one submission).

Conditions:
Landau-Kleffner syndrome (FESD). Also called: APHASIA, ACQUIRED, WITH EPILEPSY; EPILEPSY, FOCAL, WITH SPEECH DISORDER AND WITH OR WITHOUT MENTAL RETARDATION. Identifiers: Orphanet 1945, Orphanet 725, Orphanet 98818, MedGen C0282512, MONDO:0009509, OMIM 245570.

Submission:

Labcorp Genetics (formerly Invitae), Labcorp
Classification: Uncertain significance for Landau-Kleffner syndrome. Last evaluated: 2023-08-11. Review status: criteria provided, single submitter. Criteria: Invitae Variant Classification Sherloc (09022015). Collection method: clinical testing. Allele origin: germline.
Comment: In summary, the available evidence is currently insufficient to determine the role of this variant in disease. Therefore, it has been classified as a Variant of Uncertain Significance. Advanced modeling of protein sequence and biophysical properties (such as structural, functional, and spatial information, amino acid conservation, physicochemical variation, residue mobility, and thermodynamic stability) performed at Invitae indicates that this missense variant is expected to disrupt GRIN2A protein function. This missense change has been observed in at least one individual who was not affected with GRIN2A-related conditions (Invitae). This variant has not been reported in the literature in individuals affected with GRIN2A-related conditions. This variant is not present in population databases (gnomAD no frequency). This sequence change replaces valine, which is neutral and non-polar, with glycine, which is neutral and non-polar, at codon 363 of the GRIN2A protein (p.Val363Gly).

NM_001134407.3(GRIN2A):c.1088T>G (p.Val363Gly)

Gene: GRIN2A (glutamate ionotropic receptor NMDA type subunit 2A; minus strand). Cytogenetic location: 16p13.2.
Variant type: single nucleotide variant.
Coding change: c.1088T>G on transcript NM_001134407.3 (MANE Select); coding-DNA position 1088, T replaced by G.
Protein change: p.Val363Gly; replaces valine 363 with glycine.
Molecular consequence: missense variant.
Genome position (GRCh38, 1-based): chr16:9,891,020, A>C on the plus strand (T>G on the coding strand, the complement: GRIN2A is on the minus strand). VCF-style: chr16-9891020-A-C. GRCh37 (hg19) VCF-style: chr16-9984877-A-C.
Other names: c.1088T>G, p.Val363Gly (NM_000833.5, NM_001134408.2); short protein forms V363G.
Identifiers: ClinVar variation 2728514 (VCV002728514.3), dbSNP rs2542989680, ClinGen allele CA394797442.